The following is an entry in ClinVar:

NM_000231.3(SGCG):c.662T>C (p.Leu221Pro)

Gene: SGCG (sarcoglycan gamma; plus strand). Cytogenetic location: 13q12.12.
Variant type: single nucleotide variant.
Coding change: c.662T>C on transcript NM_000231.3 (MANE Select); coding-DNA position 662, T replaced by C.
Protein change: p.Leu221Pro; replaces leucine 221 with proline.
Molecular consequence: missense variant.
Genome position (GRCh38, 1-based): chr13:23,320,720, T>C. VCF-style: chr13-23320720-T-C. GRCh37 (hg19) VCF-style: chr13-23894859-T-C.
Other names: c.716T>C, p.Leu239Pro (NM_001378244.1); c.662T>C, p.Leu221Pro (NM_001378245.1, NM_001378246.1); c.662T>C (NM_000231.2); short protein forms L221P, L239P.
Identifiers: ClinVar variation 1025317 (VCV001025317.10), dbSNP rs1883006449, ClinGen allele CA387502797.

ClinVar aggregate classification (germline): Uncertain significance. Review status: criteria provided, multiple submitters, no conflicts (2 of 4 stars). 2 submissions from 2 submitters: Uncertain significance (2). Last evaluated 2024-10-11.

Conditions:
Autosomal recessive limb-girdle muscular dystrophy type 2C (LGMDR5). Also called: MUSCULAR DYSTROPHY, DUCHENNE-LIKE; MUSCULAR DYSTROPHY, LIMB-GIRDLE, AUTOSOMAL RECESSIVE 5. Identifiers: Orphanet 353, MedGen C0410173, MONDO:0009677, OMIM 253700. Disease mechanism: Affects gamma-sarcoglycan and also disrupts the integrity of the entire sarcoglycan complex..

Submissions (2):

Revvity Omics, Revvity
Classification: Uncertain significance for Autosomal recessive limb-girdle muscular dystrophy type 2C. Last evaluated: 2024-10-11. Review status: criteria provided, single submitter. Criteria: ACMG Guidelines, 2015. Collection method: clinical testing. Allele origin: germline.

Labcorp Genetics (formerly Invitae), Labcorp
Classification: Uncertain significance for Autosomal recessive limb-girdle muscular dystrophy type 2C. Last evaluated: 2020-07-15. Review status: criteria provided, single submitter. Criteria: Invitae Variant Classification Sherloc (09022015). Collection method: clinical testing. Allele origin: germline.
Comment: This sequence change replaces leucine with proline at codon 221 of the SGCG protein (p.Leu221Pro). The leucine residue is moderately conserved and there is a moderate physicochemical difference between leucine and proline. This variant is not present in population databases (ExAC no frequency). This variant has not been reported in the literature in individuals with SGCG-related conditions. Algorithms developed to predict the effect of missense changes on protein structure and function are either unavailable or do not agree on the potential impact of this missense change (SIFT: "Tolerated"; PolyPhen-2: "Probably Damaging"; Align-GVGD: "Class C0"). In summary, the available evidence is currently insufficient to determine the role of this variant in disease. Therefore, it has been classified as a Variant of Uncertain Significance.